The following is an entry in ClinVar:

ClinVar aggregate classification (germline): Likely benign. Review status: criteria provided, single submitter (1 of 4 stars). 3 submissions from 3 submitters: Likely benign (1). 2 of the submissions do not count toward it. Last evaluated 2023-03-23.

Conditions:
Hereditary cancer-predisposing syndrome. Also called: Tumor predisposition; Hereditary neoplastic syndrome; Neoplastic Syndromes, Hereditary; Hereditary Cancer Syndrome. Identifiers: Orphanet 140162, MedGen C0027672, MeSH D009386, MONDO:0015356.

Submissions (3):

University of Washington Department of Laboratory Medicine, University of Washington
Classification: Likely benign for Hereditary cancer-predisposing syndrome. Last evaluated: 2023-03-23. Review status: criteria provided, single submitter. Criteria: Dines et al. (Genet Med. 2020). Collection method: curation. Allele origin: germline.
Comment: Missense variant in a coldspot region where missense variants are very unlikely to be pathogenic (PMID:31911673).

BRCA2 exon 11 coldspot. Reclassification based on statistical prior probability.

Genome Diagnostics Laboratory, University Medical Center Utrecht
Classification: Uncertain significance. Review status: no assertion criteria provided. Collection method: clinical testing. Allele origin: germline. Affected: yes. Study: VKGL Data-share Consensus. Not counted in ClinVar's aggregate classification.

Joint Genome Diagnostic Labs from Nijmegen and Maastricht, Radboudumc and MUMC+
Classification: Uncertain significance. Review status: no assertion criteria provided. Collection method: clinical testing. Allele origin: germline. Affected: yes. Study: VKGL Data-share Consensus. Not counted in ClinVar's aggregate classification.

NM_000059.4(BRCA2):c.4130A>T (p.Asn1377Ile)

Gene: BRCA2 (BRCA2 DNA repair associated; plus strand). Cytogenetic location: 13q13.1.
Variant type: single nucleotide variant.
Coding change: c.4130A>T on transcript NM_000059.4 (MANE Select); coding-DNA position 4130, A replaced by T.
Protein change: p.Asn1377Ile; replaces asparagine 1377 with isoleucine.
Molecular consequence: missense variant.
Genome position (GRCh38, 1-based): chr13:32,338,485, A>T. VCF-style: chr13-32338485-A-T. GRCh37 (hg19) VCF-style: chr13-32912622-A-T.
Other names: short protein forms N1377I.
Identifiers: ClinVar variation 1285184 (VCV001285184.5), dbSNP rs749624669, ClinGen allele CA387779372.